The following is an entry in ClinVar:

NM_015272.5(RPGRIP1L):c.2560C>T (p.Arg854Ter)

Gene: RPGRIP1L (RPGRIP1 like; minus strand). Cytogenetic location: 16q12.2.
Variant type: single nucleotide variant.
Coding change: c.2560C>T on transcript NM_015272.5 (MANE Select); coding-DNA position 2560, C replaced by T.
Protein change: p.Arg854Ter; replaces arginine 854 with a stop codon.
Molecular consequence: nonsense.
Genome position (GRCh38, 1-based): chr16:53,645,748, G>A on the plus strand (C>T on the coding strand, the complement: RPGRIP1L is on the minus strand). VCF-style: chr16-53645748-G-A. GRCh37 (hg19) VCF-style: chr16-53679660-G-A.
Other names: c.2560C>T, p.Arg854Ter (NM_001127897.4, NM_001308334.3, NM_001330538.2); short protein forms R854*.
Identifiers: ClinVar variation 931964 (VCV000931964.11), dbSNP rs770291169, ClinGen allele CA281339134.

ClinVar aggregate classification (germline): Pathogenic/Likely pathogenic. Review status: criteria provided, multiple submitters, no conflicts (2 of 4 stars). 4 submissions from 4 submitters: Pathogenic (2); Likely pathogenic (2). Last evaluated 2026-04-28.

Conditions:
Primary ciliary dyskinesia. Also called: Ciliary dyskinesia. Identifiers: Orphanet 244, MedGen C0008780, MONDO:0016575, HP:0012265.
Joubert syndrome 7 (JBTS7). Identifiers: Orphanet 220497, MedGen C1969053, MONDO:0012694, OMIM 611560.
Inborn genetic diseases. Identifiers: MedGen C0950123, MeSH D030342.
Meckel-Gruber syndrome. Also called: DYSENCEPHALIA SPLANCHNOCYSTICA; Dysencephalia splachnocystica; GRUBER SYNDROME. Identifiers: Orphanet 564, MedGen C0265215, MONDO:0018921.
Joubert syndrome. Also called: Familial aplasia of the vermis; JOUBERT-BOLTSHAUSER SYNDROME. Identifiers: Orphanet 475, MedGen C5979921, MONDO:0018772.

Allele frequency attached by ClinVar (database versions not stated): gnomAD exomes below 0.00001; TOPMed below 0.00001.
gnomAD v4.1: 2 of 1,613,964 alleles (0.00012%); highest among the groups gnomAD compares: African/African-American, 0.0027%; no homozygotes.

Submissions (4):

Ambry Genetics
Classification: Pathogenic for Inborn genetic diseases. Last evaluated: 2026-04-28. Review status: criteria provided, single submitter. Criteria: Ambry Variant Classification Scheme 2023. Collection method: clinical testing. Allele origin: germline.
Comment: The c.2560C>T (p.R854*) alteration, located in exon 17 (coding exon 16) of the RPGRIP1L gene, consists of a C to T substitution at nucleotide position 2560. This changes the amino acid from a arginine (R) to a stop codon at amino acid position 854. This variant is expected to result in loss of function by premature protein truncation or nonsense-mediated mRNA decay. Based on data from gnomAD, the T allele has an overall frequency of <0.001% (1/251292) total alleles studied. The highest observed frequency was 0.006% (1/16256) of African alleles. Based on the available evidence, this alteration is classified as pathogenic.

Department of Human Genetics, Hannover Medical School
Classification: Likely pathogenic for Primary Ciliary Dyskinesia. Last evaluated: 2026-04-01. Review status: criteria provided, single submitter. Criteria: ACMG Guidelines, 2015. Collection method: research. Allele origin: germline. Affected: no.
Comment: Classification performed by HerediClassify using the following criteria:['PM2_supporting: Variant occures does not occur as homozygous in gnomAD.', 'PVS1_protein_very_strong: Transcript ENST00000647211 is predicted to undergo NMD.']

Labcorp Genetics (formerly Invitae), Labcorp
Classification: Pathogenic for Joubert syndrome; Meckel-Gruber syndrome. Last evaluated: 2025-07-30. Review status: criteria provided, single submitter. Criteria: Invitae Variant Classification Sherloc (09022015). Collection method: clinical testing. Allele origin: germline.
Comment: This sequence change creates a premature translational stop signal (p.Arg854*) in the RPGRIP1L gene. It is expected to result in an absent or disrupted protein product. Loss-of-function variants in RPGRIP1L are known to be pathogenic (PMID: 17558409). This variant is present in population databases (rs770291169, gnomAD 0.007%). This variant has not been reported in the literature in individuals affected with RPGRIP1L-related conditions. ClinVar contains an entry for this variant (Variation ID: 931964). For these reasons, this variant has been classified as Pathogenic.

Centre for Mendelian Genomics, University Medical Centre Ljubljana
Classification: Likely pathogenic for Joubert syndrome 7. Last evaluated: 2016-01-01. Review status: criteria provided, single submitter. Criteria: ACMG Guidelines, 2015. Collection method: clinical testing. Allele origin: unknown. Affected: yes.
Comment: This variant was classified as: Likely pathogenic. The following ACMG criteria were applied in classifying this variant: PVS1,PM2.

Literature cited by the submitters: PubMed 17558409 (cited by Labcorp Genetics (formerly Invitae), Labcorp).